The following is an entry in ClinVar:

NM_001378969.1(KCND3):c.317C>G (p.Pro106Arg)

Gene: KCND3 (potassium voltage-gated channel subfamily D member 3; minus strand). Cytogenetic location: 1p13.2.
Variant type: single nucleotide variant.
Coding change: c.317C>G on transcript NM_001378969.1 (MANE Select); coding-DNA position 317, C replaced by G.
Protein change: p.Pro106Arg; replaces proline 106 with arginine.
Molecular consequence: missense variant.
Genome position (GRCh38, 1-based): chr1:111,982,410, G>C on the plus strand (C>G on the coding strand, the complement: KCND3 is on the minus strand). VCF-style: chr1-111982410-G-C. GRCh37 (hg19) VCF-style: chr1-112525032-G-C.
Other names: c.317C>G, p.Pro106Arg (NM_001378970.1, NM_004980.5, NM_172198.3); short protein forms P106R.
Identifiers: ClinVar variation 4858614 (VCV004858614.1).

ClinVar aggregate classification (germline): Uncertain significance (1 of 4 stars; one submission).

Conditions:
Cardiovascular phenotype. Identifiers: MedGen CN230736.

gnomAD v4.1: 1 of 1,614,162 alleles (0.000062%); highest among the groups gnomAD compares: African/African-American, 0.0013%; no homozygotes.

Submission:

Ambry Genetics
Classification: Uncertain significance for Cardiovascular phenotype. Last evaluated: 2026-04-09. Review status: criteria provided, single submitter. Criteria: Ambry Variant Classification Scheme 2023. Collection method: clinical testing. Allele origin: germline.
Comment: The p.P106R variant (also known as c.317C>G), located in coding exon 1 of the KCND3 gene, results from a C to G substitution at nucleotide position 317. The proline at codon 106 is replaced by arginine, an amino acid with dissimilar properties. This amino acid position is conserved. In addition, this alteration is predicted to be deleterious by in silico analysis. Based on the available evidence, the clinical significance of this variant remains unclear.